The following is an entry in ClinVar:

NM_013339.4(ALG6):c.214del (p.Tyr72fs)

Gene: ALG6 (ALG6 alpha-1,3-glucosyltransferase; plus strand). Cytogenetic location: 1p31.3.
Variant type: Deletion.
Coding change: c.214del on transcript NM_013339.4 (MANE Select); coding-DNA position 214, one base deleted (T; older notation c.214delT).
Protein change: p.Tyr72fs; shifts the reading frame from tyrosine 72.
Molecular consequence: frameshift variant.
Genome position (GRCh38, 1-based): chr1:63,402,300, T deleted; the last of 2 consecutive T bases (chr1:63,402,299-63,402,300); deleting either gives the same sequence. VCF-style (leftmost placement, unchanged base first): chr1-63402298-AT-A. GRCh37 (hg19) VCF-style: chr1-63867969-AT-A.
Other names: short protein forms Y72fs.
Identifiers: ClinVar variation 4712252 (VCV004712252.1).
Genomic context (GRCh38, chr1:63,402,298, plus strand): 5'-TTTTTTTCTTTTTCAGGTATTTTAACAGCAGTGATAACAATTTACAGTATTGGGGATTGG[AT>A]TACCCACCTCTTACAGCTTATCATAGTCTCCTATGTGCATATGTGTAAGTTTTTCTTTCT-3'

ClinVar aggregate classification (germline): Pathogenic (1 of 4 stars; one submission).

Conditions:
ALG6-congenital disorder of glycosylation 1C (CDG1C). Also called: CARBOHYDRATE-DEFICIENT GLYCOPROTEIN SYNDROME, TYPE I, WITH DEFICIENT GLYCOSYLATION OF DOLICHOL-LINKED OLIGOSACCHARIDE; CARBOHYDRATE-DEFICIENT GLYCOPROTEIN SYNDROME, TYPE V; CDG Ic; Congenital disorder of glycosylation type 1C; Congenital disorder of glycosylation, type Ic. Identifiers: Orphanet 79320, MedGen C2930997, MONDO:0011291, OMIM 603147.

Submission:

Labcorp Genetics (formerly Invitae), Labcorp
Classification: Pathogenic for ALG6-congenital disorder of glycosylation 1C. Last evaluated: 2025-02-20. Review status: criteria provided, single submitter. Criteria: Invitae Variant Classification Sherloc (09022015). Collection method: clinical testing. Allele origin: germline.
Comment: This sequence change creates a premature translational stop signal (p.Tyr72Thrfs*19) in the ALG6 gene. It is expected to result in an absent or disrupted protein product. Loss-of-function variants in ALG6 are known to be pathogenic (PMID: 19862844). This variant is not present in population databases (gnomAD no frequency). This variant has not been reported in the literature in individuals affected with ALG6-related conditions. For these reasons, this variant has been classified as Pathogenic.

Literature cited by the submitters: PubMed 19862844.